The following is an entry in ClinVar:

ClinVar aggregate classification (germline): Likely benign. Review status: criteria provided, multiple submitters, no conflicts (2 of 4 stars). 2 submissions from 2 submitters: Likely benign (2). Last evaluated 2025-07-30.

Conditions:
Psoriasis 2. Identifiers: MedGen C1864497, MONDO:0011269, OMIM 602723.
Pityriasis rubra pilaris (PRP). Also called: Pityriasis rubra pilaris--familial type. Identifiers: Orphanet 2897, MedGen C0032027, MONDO:0100017, OMIM 173200, MONDO:0008251.

Allele frequency attached by ClinVar (database versions not stated): gnomAD exomes 0.00004 and 0.00007; ExAC 0.00007; gnomAD 0.00017 and 0.00018; TOPMed 0.00024; ESP Exome Variant Server 0.00031.
gnomAD v4.1: 83 of 1,612,312 alleles (0.0051%); highest among the groups gnomAD compares: African/African-American, 0.047%; no homozygotes.

Submissions (2):

Labcorp Genetics (formerly Invitae), Labcorp
Classification: Likely benign for Pityriasis rubra pilaris; Psoriasis 2. Last evaluated: 2025-07-30. Review status: criteria provided, single submitter. Criteria: Invitae Variant Classification Sherloc (09022015). Collection method: clinical testing. Allele origin: germline.

CeGaT Center for Human Genetics Tuebingen
Classification: Likely benign. Last evaluated: 2025-01-01. Review status: criteria provided, single submitter. Criteria: CeGaT Center For Human Genetics Tuebingen Variant Classification Criteria Version 2. Collection method: clinical testing. Allele origin: germline. Affected: yes. Observed: 2 variant alleles.
Comment: CARD14: BP4, BP7

NM_001366385.1(CARD14):c.1719G>A (p.Ala573=)

Gene: CARD14 (caspase recruitment domain family member 14; plus strand). Cytogenetic location: 17q25.3.
Variant type: single nucleotide variant.
Coding change: c.1719G>A on transcript NM_001366385.1 (MANE Select); coding-DNA position 1719, G replaced by A.
Protein change: p.Ala573=; no amino-acid change (alanine 573 retained).
Molecular consequence: synonymous variant. On other transcripts: non-coding transcript variant (1).
Genome position (GRCh38, 1-based): chr17:80,198,459, G>A. VCF-style: chr17-80198459-G-A. GRCh37 (hg19) VCF-style: chr17-78172258-G-A.
Other names: c.1719G>A, p.Ala573= (NM_024110.4, NM_001257970.1); c.1008G>A, p.Ala336= (NM_052819.3).
Identifiers: ClinVar variation 721849 (VCV000721849.22), dbSNP rs144296948, ClinGen allele CA8816959.